The following is an entry in ClinVar:

NM_001005361.3(DNM2):c.634G>A (p.Glu212Lys)

Gene: DNM2 (dynamin 2; plus strand). Cytogenetic location: 19p13.2.
Variant type: single nucleotide variant.
Coding change: c.634G>A on transcript NM_001005361.3 (MANE Select); coding-DNA position 634, G replaced by A.
Protein change: p.Glu212Lys; replaces glutamic acid 212 with lysine.
Molecular consequence: missense variant.
Genome position (GRCh38, 1-based): chr19:10,777,162, G>A. VCF-style: chr19-10777162-G-A. GRCh37 (hg19) VCF-style: chr19-10887838-G-A.
Other names: c.634G>A, p.Glu212Lys (NM_001005360.3, NM_001005362.3, NM_001190716.2 and 1 more transcripts); short protein forms E212K.
Identifiers: ClinVar variation 2440964 (VCV002440964.4), dbSNP rs759683244, ClinGen allele CA9200845.

ClinVar aggregate classification (germline): Uncertain significance. Review status: criteria provided, multiple submitters, no conflicts (2 of 4 stars). 2 submissions from 2 submitters: Uncertain significance (2). Last evaluated 2024-09-01.

Allele frequency attached by ClinVar (database versions not stated): gnomAD exomes below 0.00001; TOPMed below 0.00001; ExAC 0.00001; gnomAD 0.00001.
gnomAD v4.1: 4 of 1,614,084 alleles (0.00025%); highest among the groups gnomAD compares: African/African-American, 0.004%; no homozygotes.

Submissions (2):

GeneDx
Classification: Uncertain significance. Last evaluated: 2024-09-01. Review status: criteria provided, single submitter. Criteria: GeneDx Variant Classification Process June 2021. Collection method: clinical testing. Allele origin: germline. Affected: yes.
Comment: In silico analysis supports that this missense variant has a deleterious effect on protein structure/function; Has not been previously published as pathogenic or benign to our knowledge; This variant is associated with the following publications: (PMID: 16227997)

Revvity Omics, Revvity
Classification: Uncertain significance. Last evaluated: 2020-10-24. Review status: criteria provided, single submitter. Criteria: ACMG Guidelines, 2015. Collection method: clinical testing. Allele origin: germline.